The following is an entry in ClinVar:

NM_014043.4(CHMP2B):c.287T>C (p.Met96Thr)

Gene: CHMP2B (charged multivesicular body protein 2B; plus strand). Cytogenetic location: 3p11.2.
Variant type: single nucleotide variant.
Coding change: c.287T>C on transcript NM_014043.4 (MANE Select); coding-DNA position 287, T replaced by C.
Protein change: p.Met96Thr; replaces methionine 96 with threonine.
Molecular consequence: missense variant.
Genome position (GRCh38, 1-based): chr3:87,245,874, T>C. VCF-style: chr3-87245874-T-C. GRCh37 (hg19) VCF-style: chr3-87295024-T-C.
Other names: c.164T>C, p.Met55Thr (NM_001244644.2); short protein forms M96T, M55T.
Identifiers: ClinVar variation 1477866 (VCV001477866.10), dbSNP rs2106908498, ClinGen allele CA353697094.

ClinVar aggregate classification (germline): Uncertain significance. Review status: criteria provided, multiple submitters, no conflicts (2 of 4 stars). 2 submissions from 2 submitters: Uncertain significance (2). Last evaluated 2025-06-06.

Conditions:
Frontotemporal dementia and/or amyotrophic lateral sclerosis 7 (FTDALS7). Also called: CHMP2B-Related Frontotemporal Dementia-Amyotrophic Lateral Sclerosis; Amyotrophic lateral sclerosis 17; CHMP2B-related frontotemporal dementia; AMYOTROPHIC LATERAL SCLEROSIS, CHMP2B-RELATED. Identifiers: Orphanet 275864, Orphanet 282, Orphanet 803, MedGen C1833296, MONDO:0010936, OMIM 600795.

Allele frequency attached by ClinVar (database versions not stated): gnomAD exomes below 0.00001.

Submissions (2):

Dasa
Classification: Uncertain significance. Last evaluated: 2025-06-06. Review status: criteria provided, single submitter. Criteria: DASA Assertion Criteria. Collection method: clinical testing. Allele origin: germline.
Comment: NM_014043.4(CHMP2B):c.287T>C (p.Met96Thr) is a missense variant that results in the substitution of methionine with threonine. This variant is rare in population databases. The currently available literature and clinical evidence are not sufficient to establish a definitive association between this variant and the reported condition. Therefore, this variant is classified as a variant of uncertain significance.

Labcorp Genetics (formerly Invitae), Labcorp
Classification: Uncertain significance for Frontotemporal dementia and/or amyotrophic lateral sclerosis 7. Last evaluated: 2022-08-16. Review status: criteria provided, single submitter. Criteria: Invitae Variant Classification Sherloc (09022015). Collection method: clinical testing. Allele origin: germline.
Comment: This missense change has been observed in individual(s) with amyotrophic lateral sclerosis (PMID: 32638105). ClinVar contains an entry for this variant (Variation ID: 1477866). Algorithms developed to predict the effect of missense changes on protein structure and function (SIFT, PolyPhen-2, Align-GVGD) all suggest that this variant is likely to be tolerated. In summary, the available evidence is currently insufficient to determine the role of this variant in disease. Therefore, it has been classified as a Variant of Uncertain Significance. This variant is not present in population databases (gnomAD no frequency). This sequence change replaces methionine, which is neutral and non-polar, with threonine, which is neutral and polar, at codon 96 of the CHMP2B protein (p.Met96Thr).

Literature cited by the submitters: PubMed 32638105 (cited by Labcorp Genetics (formerly Invitae), Labcorp).